The following is an entry in ClinVar:

NM_015139.3(SLC35D1):c.986A>G (p.Tyr329Cys)

Gene: SLC35D1 (solute carrier family 35 member D1; minus strand). Cytogenetic location: 1p31.3.
Variant type: single nucleotide variant.
Coding change: c.986A>G on transcript NM_015139.3 (MANE Select); coding-DNA position 986, A replaced by G.
Protein change: p.Tyr329Cys; replaces tyrosine 329 with cysteine.
Molecular consequence: missense variant.
Genome position (GRCh38, 1-based): chr1:67,004,422, T>C on the plus strand (A>G on the coding strand, the complement: SLC35D1 is on the minus strand). VCF-style: chr1-67004422-T-C. GRCh37 (hg19) VCF-style: chr1-67470105-T-C.
Other names: short protein forms Y329C.
Identifiers: ClinVar variation 288787 (VCV000288787.9), dbSNP rs372640176, ClinGen allele CA898803.
Genomic context (GRCh38, chr1:67,004,422, plus strand): 5'-ATGTCCAGCTTGTTATTAGCCTCTGACTGTTTGCTCAGCTGCTCTTCAGTGAAAGTGATA[T>C]AGGAATATACCAGGCTCCCAGCAATGCTGCAAAACAGAAAGCCACTATCAGAGATGGAGG-3'
Protein context (NP_055954.1, residues 319-339): ISIAGSLVYS[Tyr329Cys]ITFTEEQLSK

ClinVar aggregate classification (germline): Uncertain significance. Review status: criteria provided, multiple submitters, no conflicts (2 of 4 stars). 3 submissions from 3 submitters: Uncertain significance (3). Last evaluated 2023-04-10.

Conditions:
Inborn genetic diseases. Identifiers: MedGen C0950123, MeSH D030342.

Allele frequency attached by ClinVar (database versions not stated): ExAC 0.00007; ESP Exome Variant Server 0.00008; TOPMed 0.00001; gnomAD 0.00003 and 0.00004; gnomAD exomes 0.00003 and 0.00004.
gnomAD v4.1: 55 of 1,613,878 alleles (0.0034%); highest among the groups gnomAD compares: Middle Eastern, 0.016%; no homozygotes.

Submissions (3):

Ambry Genetics
Classification: Uncertain significance for Inborn genetic diseases. Last evaluated: 2023-04-10. Review status: criteria provided, single submitter. Criteria: Ambry Variant Classification Scheme 2023. Collection method: clinical testing. Allele origin: germline.

GeneDx
Classification: Uncertain significance. Last evaluated: 2022-01-07. Review status: criteria provided, single submitter. Criteria: GeneDx Variant Classification Process June 2021. Collection method: clinical testing. Allele origin: germline. Affected: yes.
Comment: Not observed at significant frequency in large population cohorts (gnomAD); In silico analysis supports that this missense variant has a deleterious effect on protein structure/function; Has not been previously published as pathogenic or benign to our knowledge

Eurofins Ntd Llc (ga)
Classification: Uncertain significance. Last evaluated: 2016-06-22. Review status: criteria provided, single submitter. Criteria: EGL Classification Definitions 2015. Collection method: clinical testing. Allele origin: germline. Observed: 1 variant allele, 1 heterozygote.